The following is an entry in ClinVar:

NM_000322.5(PRPH2):c.737G>C (p.Trp246Ser)

Gene: PRPH2 (peripherin 2; minus strand). Cytogenetic location: 6p21.1.
Variant type: single nucleotide variant.
Coding change: c.737G>C on transcript NM_000322.5 (MANE Select); coding-DNA position 737, G replaced by C.
Protein change: p.Trp246Ser; replaces tryptophan 246 with serine.
Molecular consequence: missense variant.
Genome position (GRCh38, 1-based): chr6:42,704,456, C>G on the plus strand (G>C on the coding strand, the complement: PRPH2 is on the minus strand). VCF-style: chr6-42704456-C-G. GRCh37 (hg19) VCF-style: chr6-42672194-C-G.
Other names: short protein forms W246S.
Identifiers: ClinVar variation 941489 (VCV000941489.8), dbSNP rs1582764697, ClinGen allele CA364135038.
Genomic context (GRCh38, chr6:42,704,456, plus strand): 5'-CCCATGGAGTTCATGAGGCTGCTGTAGTAGCTCAGCAGGGCAGCCCTGCAGCCACGCACC[C>G]ACAGGTTGAGCTCCTCCGTCTGGTGGTCGTAACTGTAGTGTGCTGAGTTGTTGGTGATCT-3'
Protein context (NP_000313.2, residues 236-256): YDHQTEELNL[Trp246Ser]VRGCRAALLS

ClinVar aggregate classification (germline): Likely pathogenic. Review status: criteria provided, single submitter (1 of 4 stars). 2 submissions from 2 submitters: Likely pathogenic (1). 1 of the submissions does not count toward it. Last evaluated 2023-06-13.

Conditions:
PRPH2-related disorder. Also called: PRPH2-related condition; PRPH2-related disorders. Identifiers: MedGen CN239395.

Submissions (2):

Labcorp Genetics (formerly Invitae), Labcorp
Classification: Likely pathogenic for PRPH2-related disorder. Last evaluated: 2023-06-13. Review status: criteria provided, single submitter. Criteria: Invitae Variant Classification Sherloc (09022015). Collection method: clinical testing. Allele origin: germline.
Comment: In summary, the currently available evidence indicates that the variant is pathogenic, but additional data are needed to prove that conclusively. Therefore, this variant has been classified as Likely Pathogenic. This variant disrupts the p.Trp246 amino acid residue in PRPH2. Other variant(s) that disrupt this residue have been determined to be pathogenic (PMID: 25447119). This suggests that this residue is clinically significant, and that variants that disrupt this residue are likely to be disease-causing. This sequence change replaces tryptophan, which is neutral and slightly polar, with serine, which is neutral and polar, at codon 246 of the PRPH2 protein (p.Trp246Ser). This variant is not present in population databases (gnomAD no frequency). This missense change has been observed in individual(s) with PRPH2-related conditions (Invitae). ClinVar contains an entry for this variant (Variation ID: 941489). Advanced modeling of protein sequence and biophysical properties (such as structural, functional, and spatial information, amino acid conservation, physicochemical variation, residue mobility, and thermodynamic stability) performed at Invitae indicates that this missense variant is expected to disrupt PRPH2 protein function.

Department of Pathology and Laboratory Medicine, Sinai Health System
Classification: Uncertain significance. Review status: no assertion criteria provided. Collection method: clinical testing. Allele origin: unknown. Affected: yes. Study: The Canadian Open Genetics Repository (COGR). Not counted in ClinVar's aggregate classification.
Comment: The PRPH2 p.Trp246Ser variant was not identified in the literature nor was it identified in dbSNP, ClinVar or LOVD 3.0. The variant was not identified in the following control databases: the 1000 Genomes Project, the NHLBI GO Exome Sequencing Project, the Exome Aggregation Consortium (August 8th 2016), or the Genome Aggregation Database (March 6, 2019, v2.1.1). The p.Trp246 residue is conserved across mammals and other organisms, and computational analyses (PolyPhen-2, SIFT, AlignGVGD, BLOSUM, MutationTaster) suggest that the variant may impact the protein; however, this information is not predictive enough to assume pathogenicity. The variant occurs outside of the splicing consensus sequence and three of four in silico or computational prediction software programs (SpliceSiteFinder, MaxEntScan, NNSPLICE, GeneSplicer) predict a greater than 10% difference in splicing. However, this has not been confirmed by RNA analysis and is not predictive enough to assume pathogenicity. In summary, based on the above information the clinical significance of this variant cannot be determined with certainty at this time. This variant is classified as a variant of uncertain significance.

Literature cited by the submitters: PubMed 25447119 (cited by Labcorp Genetics (formerly Invitae), Labcorp).